The following is an entry in ClinVar:

NM_000392.5(ABCC2):c.697dup (p.Met233fs)

Gene: ABCC2 (ATP binding cassette subfamily C member 2; plus strand). Cytogenetic location: 10q24.2.
Variant type: Duplication.
Coding change: c.697dup on transcript NM_000392.5 (MANE Select); coding-DNA position 697, one base duplicated (A; older notation c.697dupA).
Protein change: p.Met233fs; shifts the reading frame from methionine 233.
Molecular consequence: frameshift variant.
Genome position (GRCh38, 1-based): chr10:99,797,161, A duplicated. VCF-style (leftmost placement, unchanged base first): chr10-99797160-G-GA. GRCh37 (hg19) VCF-style: chr10-101556917-G-GA.
Other names: c.697dupA (NM_000392.4); c.697dup, p.Met233fs (LRG_1208t1); short protein forms M233fs.
Identifiers: ClinVar variation 594817 (VCV000594817.7), dbSNP rs1314486961, ClinGen allele CA595642473.
Genomic context (GRCh38, chr10:99,797,160, plus strand): 5'-CATTCTGAAAGGCTACAAGCGTCCTCTGACACTCGAGGATGTCTGGGAAGTTGATGAAGA[G>GA]ATGAAAACCAAGACATTAGTGAGCAAGTTTGAAACGCACATGAAGAGAGAGCTGCAGAAA-3'

ClinVar aggregate classification (germline): Pathogenic. Review status: criteria provided, multiple submitters, no conflicts (2 of 4 stars). 2 submissions from 2 submitters: Pathogenic (2). Last evaluated 2025-07-08.

Conditions:
ABCC2-related disorder. Also called: ABCC2-related condition.

Allele frequency attached by ClinVar (database versions not stated): gnomAD exomes below 0.00001 and 0.00001; gnomAD 0.00002; TOPMed 0.00002.

Submissions (2):

PreventionGenetics, part of Exact Sciences
Classification: Pathogenic for ABCC2-related condition. Last evaluated: 2025-07-08. Review status: criteria provided, single submitter. Criteria: ACMG Guidelines, 2015. Collection method: clinical testing. Allele origin: germline.
Comment: The ABCC2 c.697dupA variant is predicted to result in a frameshift and premature protein termination (p.Met233Asnfs*11). This variant has been reported in an individual with Dubin-Johnson syndrome (Corpechot et al. 2019. PubMed ID: 31544333). This variant is reported in 0.00088% of alleles in individuals of European (Non-Finnish) descent in gnomAD. Frameshift variants in ABCC2 are expected to be pathogenic. This variant is interpreted as pathogenic.

Eurofins Ntd Llc (ga)
Classification: Pathogenic. Last evaluated: 2017-11-07. Review status: criteria provided, single submitter. Criteria: EGL Classification Definitions 2015. Collection method: clinical testing. Allele origin: germline. Observed: 1 variant allele, 1 heterozygote.